The following is an entry in ClinVar:

ClinVar aggregate classification (germline): Conflicting classifications of pathogenicity. Review status: criteria provided, conflicting classifications (1 of 4 stars). 6 submissions from 6 submitters: Uncertain significance (1); Likely benign (4). 1 of the submissions does not count toward it. Last evaluated 2026-01-26.

Conditions:
ADGRV1-related disorder. Also called: ADGRV1-related condition; ADGRV1-related disorders.
Inborn genetic diseases. Identifiers: MedGen C0950123, MeSH D030342.

Allele frequency attached by ClinVar (database versions not stated): gnomAD 0.00004 and 0.00005; TOPMed 0.00006.
gnomAD v4.1: 76 of 1,542,460 alleles (0.0049%); highest among the groups gnomAD compares: Non-Finnish European, 0.0061%; no homozygotes.

Submissions (6):

Labcorp Genetics (formerly Invitae), Labcorp
Classification: Likely benign. Last evaluated: 2026-01-26. Review status: criteria provided, single submitter. Criteria: Invitae Variant Classification Sherloc (09022015). Collection method: clinical testing. Allele origin: germline.

CeGaT Center for Human Genetics Tuebingen
Classification: Likely benign. Last evaluated: 2025-10-01. Review status: criteria provided, single submitter. Criteria: CeGaT Center For Human Genetics Tuebingen Variant Classification Criteria Version 2. Collection method: clinical testing. Allele origin: germline. Affected: yes. Observed: 1 variant allele.
Comment: ADGRV1: BP4, BP7

Ambry Genetics
Classification: Likely benign for Inborn genetic diseases. Last evaluated: 2025-08-27. Review status: criteria provided, single submitter. Criteria: Ambry Variant Classification Scheme 2023. Collection method: clinical testing. Allele origin: germline.

Blueprint Genetics
Classification: Likely benign. Last evaluated: 2024-11-13. Review status: criteria provided, single submitter. Criteria: ACMG Guidelines, 2015. Collection method: clinical testing. Allele origin: germline.

Eurofins Ntd Llc (ga)
Classification: Uncertain significance. Last evaluated: 2015-01-29. Review status: criteria provided, single submitter. Criteria: EGL Classification Definitions 2015. Collection method: clinical testing. Allele origin: germline. Observed: 1 variant allele, 1 heterozygote.

PreventionGenetics, part of Exact Sciences
Classification: Likely benign for ADGRV1-related condition. Last evaluated: 2024-08-23. Review status: no assertion criteria provided. Collection method: clinical testing. Allele origin: germline. Not counted in ClinVar's aggregate classification.
Comment: This variant is classified as likely benign based on ACMG/AMP sequence variant interpretation guidelines (Richards et al. 2015 PMID: 25741868, with internal and published modifications).

NM_032119.4(ADGRV1):c.14970C>A (p.Leu4990=)

Gene: ADGRV1 (adhesion G protein-coupled receptor V1; plus strand). Cytogenetic location: 5q14.3.
Variant type: single nucleotide variant.
Coding change: c.14970C>A on transcript NM_032119.4 (MANE Select); coding-DNA position 14970, C replaced by A.
Protein change: p.Leu4990=; no amino-acid change (leucine 4990 retained).
Molecular consequence: synonymous variant. On other transcripts: non-coding transcript variant (1).
Genome position (GRCh38, 1-based): chr5:90,807,735, C>A. VCF-style: chr5-90807735-C-A. GRCh37 (hg19) VCF-style: chr5-90103552-C-A.
Other names: c.14970C>A (NM_032119.3).
Identifiers: ClinVar variation 198656 (VCV000198656.25), dbSNP rs368420512, ClinGen allele CA247438.